The following is an entry in ClinVar:

ClinVar aggregate classification (germline): Uncertain significance (1 of 4 stars; one submission).

Conditions:
Immunodeficiency 23 (IMD23). Also called: IMMUNODEFICIENCY WITH HYPER IgE AND COGNITIVE IMPAIRMENT; IMMUNODEFICIENCY-VASCULITIS-MYOCLONUS SYNDROME. Identifiers: Orphanet 443811, MedGen C4014371, MONDO:0014353, OMIM 615816.

gnomAD v4.1: 2 of 1,610,356 alleles (0.00012%); highest among the groups gnomAD compares: Non-Finnish European, 0.00017%; no homozygotes.

Submission:

Labcorp Genetics (formerly Invitae), Labcorp
Classification: Uncertain significance for Immunodeficiency 23. Last evaluated: 2024-05-27. Review status: criteria provided, single submitter. Criteria: Invitae Variant Classification Sherloc (09022015). Collection method: clinical testing. Allele origin: germline.
Comment: This sequence change affects codon 300 of the PGM3 mRNA. It is a 'silent' change, meaning that it does not change the encoded amino acid sequence of the PGM3 protein. This variant is not present in population databases (gnomAD no frequency). This variant has not been reported in the literature in individuals affected with PGM3-related conditions. Algorithms developed to predict the effect of sequence changes on RNA splicing suggest that this variant may disrupt the consensus splice site. In summary, the available evidence is currently insufficient to determine the role of this variant in disease. Therefore, it has been classified as a Variant of Uncertain Significance.

NM_015599.3(PGM3):c.816C>T (p.Cys272=)

Gene: PGM3 (phosphoglucomutase 3; minus strand). Cytogenetic location: 6q14.1.
Variant type: single nucleotide variant.
Coding change: c.816C>T on transcript NM_015599.3 (MANE Select); coding-DNA position 816, C replaced by T.
Protein change: p.Cys272=; no amino-acid change (cysteine 272 retained).
Molecular consequence: synonymous variant. On other transcripts: non-coding transcript variant (1).
Genome position (GRCh38, 1-based): chr6:83,179,939, G>A on the plus strand (C>T on the coding strand, the complement: PGM3 is on the minus strand). VCF-style: chr6-83179939-G-A. GRCh37 (hg19) VCF-style: chr6-83889658-G-A.
Other names: c.900C>T, p.Cys300= (NM_001199917.2, NM_001367287.1); c.573C>T, p.Cys191= (NM_001199918.2); c.816C>T, p.Cys272= (NM_001199919.2, NM_001367286.1).
Identifiers: ClinVar variation 3671470 (VCV003671470.2).
Genomic context (GRCh38, chr6:83,179,939, plus strand): 5'-GTGGCCATCTGCATCATGGTAGTAATAAACAATTCTGTCTGCATCTCCATCAAAAGAACA[G>A]CATCTTTCATTGGACTTAATTTCCATTCCTAGCACACAGGATAATTTAACATGCATTTCA-3'
Protein context (NP_056414.1, residues 262-282): QGMEIKSNER[Cys272=]CSFDGDADRI